The following is an entry in ClinVar:

ClinVar aggregate classification (germline): Uncertain significance (1 of 4 stars; one submission).

Submission:

Labcorp Genetics (formerly Invitae), Labcorp
Classification: Uncertain significance. Last evaluated: 2024-04-05. Review status: criteria provided, single submitter. Criteria: Invitae Variant Classification Sherloc (09022015). Collection method: clinical testing. Allele origin: germline.
Comment: This sequence change falls in intron 8 of the C3 gene. It does not directly change the encoded amino acid sequence of the C3 protein. It affects a nucleotide within the consensus splice site. This variant is not present in population databases (gnomAD no frequency). This variant has not been reported in the literature in individuals affected with C3-related conditions. Variants that disrupt the consensus splice site are a relatively common cause of aberrant splicing (PMID: 17576681, 9536098). Algorithms developed to predict the effect of sequence changes on RNA splicing suggest that this variant is not likely to affect RNA splicing. In summary, the available evidence is currently insufficient to determine the role of this variant in disease. Therefore, it has been classified as a Variant of Uncertain Significance.

Literature cited by the submitters: PubMed 17576681; PubMed 9536098.

NM_000064.4(C3):c.876+5C>T

Gene: C3 (complement C3; minus strand). Cytogenetic location: 19p13.3.
Variant type: single nucleotide variant.
Coding change: c.876+5C>T on transcript NM_000064.4 (MANE Select); 5 bases into the intron after coding-DNA position 876, C replaced by T.
Molecular consequence: intron variant.
Genome position (GRCh38, 1-based): chr19:6,713,402, G>A on the plus strand (C>T on the coding strand, the complement: C3 is on the minus strand). VCF-style: chr19-6713402-G-A. GRCh37 (hg19) VCF-style: chr19-6713413-G-A.
Identifiers: ClinVar variation 2785072 (VCV002785072.3), dbSNP rs2512265560, ClinGen allele CA2739276409.